The following is an entry in ClinVar:

NM_020338.4(ZMIZ1):c.2428G>C (p.Glu810Gln)

Gene: ZMIZ1 (zinc finger MIZ-type containing 1; plus strand). Cytogenetic location: 10q22.3.
Variant type: single nucleotide variant.
Coding change: c.2428G>C on transcript NM_020338.4 (MANE Select); coding-DNA position 2428, G replaced by C.
Protein change: p.Glu810Gln; replaces glutamic acid 810 with glutamine.
Molecular consequence: missense variant.
Genome position (GRCh38, 1-based): chr10:79,306,104, G>C. VCF-style: chr10-79306104-G-C. GRCh37 (hg19) VCF-style: chr10-81065861-G-C.
Other names: short protein forms E810Q.
Identifiers: ClinVar variation 4056940 (VCV004056940.2).

ClinVar aggregate classification (germline): Uncertain significance (1 of 4 stars; one submission).

Submission:

GeneDx
Classification: Uncertain significance. Last evaluated: 2026-10-02. Review status: criteria provided, single submitter. Criteria: GeneDx Variant Classification Process June 2021. Collection method: clinical testing. Allele origin: germline.
Comment: Not observed at significant frequency in large population cohorts (gnomAD); In silico analysis suggests that this missense variant does not alter protein structure/function; Has not been previously published as pathogenic or benign to our knowledge